The following is an entry in ClinVar:

ClinVar aggregate classification (germline): Uncertain significance. Review status: criteria provided, multiple submitters, no conflicts (2 of 4 stars). 2 submissions from 2 submitters: Uncertain significance (2). Last evaluated 2026-02-19.

Conditions:
NBAS-related disorder. Also called: NBAS-related condition.
Inborn genetic diseases. Identifiers: MedGen C0950123, MeSH D030342.

gnomAD v4.1: 19 of 1,613,768 alleles (0.0012%); highest among the groups gnomAD compares: South Asian, 0.0033%; no homozygotes.

Submissions (2):

PreventionGenetics, part of Exact Sciences
Classification: Uncertain significance for NBAS-related condition. Last evaluated: 2026-02-19. Review status: criteria provided, single submitter. Criteria: ACMG Guidelines, 2015. Collection method: clinical testing. Allele origin: germline.
Comment: The NBAS c.3877C>T variant is predicted to result in the amino acid substitution p.Arg1293Cys. To our knowledge, this variant has not been reported in the literature. This variant is reported in 0.0046% of alleles in individuals of European (Finnish) descent in gnomAD. At this time, the clinical significance of this variant is uncertain due to the absence of conclusive functional and genetic evidence.

Ambry Genetics
Classification: Uncertain significance for Inborn genetic diseases. Last evaluated: 2023-03-17. Review status: criteria provided, single submitter. Criteria: Ambry Variant Classification Scheme 2023. Collection method: clinical testing. Allele origin: germline.

NM_015909.4(NBAS):c.3877C>T (p.Arg1293Cys)

Gene: NBAS (NBAS subunit of NRZ tethering complex; minus strand). Cytogenetic location: 2p24.3.
Variant type: single nucleotide variant.
Coding change: c.3877C>T on transcript NM_015909.4 (MANE Select); coding-DNA position 3877, C replaced by T.
Protein change: p.Arg1293Cys; replaces arginine 1293 with cysteine.
Molecular consequence: missense variant. On other transcripts: non-coding transcript variant (1).
Genome position (GRCh38, 1-based): chr2:15,356,357, G>A on the plus strand (C>T on the coding strand, the complement: NBAS is on the minus strand). VCF-style: chr2-15356357-G-A. GRCh37 (hg19) VCF-style: chr2-15496481-G-A.
Other names: c.3877C>T (NM_015909.3); short protein forms R1293C.
Identifiers: ClinVar variation 2508254 (VCV002508254.3), dbSNP rs373721233, ClinGen allele CA1535872.